The following is an entry in ClinVar:

ClinVar aggregate classification (germline): Pathogenic/Likely pathogenic. Review status: criteria provided, multiple submitters, no conflicts (2 of 4 stars). 4 submissions from 4 submitters: Pathogenic (2); Likely pathogenic (1). 1 of the submissions does not count toward it. Last evaluated 2025-12-28.

Conditions:
Hypogonadotropic hypogonadism 7 with or without anosmia (HH7). Also called: GNRHR-Related GnRH Deficiency; HYPOGONADOTROPIC HYPOGONADISM 7 WITHOUT ANOSMIA. Identifiers: Orphanet 432, MedGen C0342384, MONDO:0007794, OMIM 146110.

Allele frequency attached by ClinVar (database versions not stated): gnomAD exomes 0.00001 and 0.00002; ExAC 0.00002; TOPMed 0.00002; gnomAD 0.00003; ESP Exome Variant Server 0.00008.

Submissions (4):

Labcorp Genetics (formerly Invitae), Labcorp
Classification: Pathogenic. Last evaluated: 2025-12-28. Review status: criteria provided, single submitter. Criteria: Invitae Variant Classification Sherloc (09022015). Collection method: clinical testing. Allele origin: germline.
Comment: This sequence change replaces threonine, which is neutral and polar, with methionine, which is neutral and non-polar, at codon 269 of the GNRHR protein (p.Thr269Met). This variant is present in population databases (rs369176613, gnomAD 0.005%). This missense change has been observed in individuals with congenital hypogonadotrophic hypogonadism (PMID: 22031817, 27544332, 30415482, 30476149, 31277073). It has also been observed to segregate with disease in related individuals. ClinVar contains an entry for this variant (Variation ID: 140611). Invitae Evidence Modeling of protein sequence and biophysical properties (such as structural, functional, and spatial information, amino acid conservation, physicochemical variation, residue mobility, and thermodynamic stability) indicates that this missense variant is expected to disrupt GNRHR protein function with a positive predictive value of 80%. Experimental studies have shown that this missense change affects GNRHR function (PMID: 30415482, 30476149). For these reasons, this variant has been classified as Pathogenic.

Victorian Clinical Genetics Services, Murdoch Childrens Research Institute
Classification: Pathogenic for Hypogonadotropic hypogonadism 7 with or without anosmia. Last evaluated: 2024-10-09. Review status: criteria provided, single submitter. Criteria: ACMG Guidelines, 2015. Collection method: clinical testing. Allele origin: germline. Inheritance: Autosomal recessive inheritance. Affected: yes.
Comment: Based on the classification scheme VCGS_Germline_v1.3.4, this variant is classified as Pathogenic. Following criteria are met: 0102 - Loss of function is a known mechanism of disease in this gene and is associated with hypogonadotropic hypogonadism 7 without anosmia (MIM#146110). (I) 0106 - This gene is associated with autosomal recessive disease. (I) 0200 - Variant is predicted to result in a missense amino acid change from threonine to methionine. (I) 0251 - This variant is heterozygous. (I) 0304 - Variant is present in gnomAD (v3) <0.01 for a recessive condition (4 heterozygotes, 0 homozygotes). (SP) 0502 - Missense variant with conflicting in silico predictions and uninformative conservation. (I) 0600 - Variant is located in the annotated 7 transmembrane receptor (rhodopsin family) domain (DECIPHER). (I) 0802 - This variant has moderate previous evidence of pathogenicity in unrelated individuals. This variant has been reported in three homozygous individuals with congenital hypogonadotropic hypogonadism (HH) or normosmic isolated HH. An additional two affected individuals were heterozygous for this variant, with no second hit identified in this gene (ClinVar, PMID: 30415482, PMID: 30476149, PMID: 27544332, PMID: 26708526, PMID: 22031817). (SP) 0901 - This variant has strong evidence for segregation with disease. This variant segregated in a single family with three affected siblings (PMID: 30415482). (SP) 1002 - This variant has moderate functional evidence supporting abnormal protein function. Transfected COS7 and HEK293 cells both demonstrated impaired protein function, including reduced protein binding and activation (PMID: 30476149). (SP) 1201 - Heterozygous variant detected in trans with a second pathogenic heterozygous variant (c.317A>G, p.(Gln106Arg)) in a recessive disease. (I) Legend: (SP) - Supporting pathogenic, (I) - Information, (SB) - Supporting benign

Juno Genomics, Hangzhou Juno Genomics, Inc
Classification: Likely pathogenic for Hypogonadotropic hypogonadism 7 with or without anosmia. Review status: criteria provided, single submitter. Criteria: ACMG Guidelines, 2015. Collection method: clinical testing. Allele origin: germline.
Comment: Absent from controls (or at extremely low frequency if recessive) in Genome Aggregation Database.;Well-established in vitro or in vivo functional studies supportive of a damaging effect on the gene or gene product.;For recessive disorders, detected in trans with a pathogenic variant.;Co-segregation with disease in multiple affected family members.

Endocrinology Clinic, Seth G.S. Medical College
Classification: Pathogenic for Isolated hypogonadotropic hypogonadism. Last evaluated: 2012-09-01. Review status: no assertion criteria provided. Collection method: research. Allele origin: germline. Inheritance: Autosomal recessive inheritance. Affected: yes. Observed: 1 variant allele, 1 homozygote. Not counted in ClinVar's aggregate classification.

Literature cited by the submitters: PubMed 22031817 (cited by Labcorp Genetics (formerly Invitae), Labcorp and Victorian Clinical Genetics Services, Murdoch Childrens Research Institute); PubMed 27544332 (cited by Labcorp Genetics (formerly Invitae), Labcorp and Victorian Clinical Genetics Services, Murdoch Childrens Research Institute); PubMed 30415482 (cited by Labcorp Genetics (formerly Invitae), Labcorp and Victorian Clinical Genetics Services, Murdoch Childrens Research Institute); PubMed 30476149 (cited by Labcorp Genetics (formerly Invitae), Labcorp and Victorian Clinical Genetics Services, Murdoch Childrens Research Institute); PubMed 31277073 (cited by Labcorp Genetics (formerly Invitae), Labcorp); PubMed 26708526 (cited by Victorian Clinical Genetics Services, Murdoch Childrens Research Institute); PubMed 22745237 (cited by Endocrinology Clinic, Seth G.S. Medical College).

NM_000406.3(GNRHR):c.806C>T (p.Thr269Met)

Gene: GNRHR (gonadotropin releasing hormone receptor; minus strand). Cytogenetic location: 4q13.2.
Variant type: single nucleotide variant.
Coding change: c.806C>T on transcript NM_000406.3 (MANE Select); coding-DNA position 806, C replaced by T.
Protein change: p.Thr269Met; replaces threonine 269 with methionine.
Molecular consequence: missense variant. On other transcripts: synonymous variant (1).
Genome position (GRCh38, 1-based): chr4:67,740,661, G>A on the plus strand (C>T on the coding strand, the complement: GNRHR is on the minus strand). VCF-style: chr4-67740661-G-A. GRCh37 (hg19) VCF-style: chr4-68606379-G-A.
Other names: c.678C>T, p.Asp226= (NM_001012763.2); short protein forms T269M.
Identifiers: ClinVar variation 140611 (VCV000140611.8), dbSNP rs369176613, ClinGen allele CA269995.